The following is an entry in ClinVar:

ClinVar aggregate classification (germline): Uncertain significance (1 of 4 stars; one submission).

Allele frequency attached by ClinVar (database versions not stated): gnomAD exomes below 0.00001.

Submission:

GeneDx
Classification: Uncertain significance. Last evaluated: 2020-09-22. Review status: criteria provided, single submitter. Criteria: GeneDx Variant Classification Process June 2021. Collection method: clinical testing. Allele origin: germline. Affected: yes.
Comment: Not observed in large population cohorts (Lek et al., 2016); Missense variants in this gene are often considered pathogenic (Stenson et al., 2014); In silico analysis supports that this missense variant does not alter protein structure/function; Has not been previously published as pathogenic or benign to our knowledge

NM_005633.4(SOS1):c.1214G>A (p.Cys405Tyr)

Gene: SOS1 (SOS Ras/Rac guanine nucleotide exchange factor 1; minus strand). Cytogenetic location: 2p22.1.
Variant type: single nucleotide variant.
Coding change: c.1214G>A on transcript NM_005633.4 (MANE Select); coding-DNA position 1214, G replaced by A.
Protein change: p.Cys405Tyr; replaces cysteine 405 with tyrosine.
Molecular consequence: missense variant.
Genome position (GRCh38, 1-based): chr2:39,023,214, C>T on the plus strand (G>A on the coding strand, the complement: SOS1 is on the minus strand). VCF-style: chr2-39023214-C-T. GRCh37 (hg19) VCF-style: chr2-39250355-C-T.
Other names: c.1193G>A, p.Cys398Tyr (NM_001382394.1); c.1214G>A, p.Cys405Tyr (NM_001382395.1); short protein forms C398Y, C405Y.
Identifiers: ClinVar variation 1304166 (VCV001304166.2), dbSNP rs1005855156, ClinGen allele CA45675081.